The following is an entry in ClinVar:

ClinVar aggregate classification (germline): Uncertain significance. Review status: criteria provided, multiple submitters, no conflicts (2 of 4 stars). 6 submissions from 6 submitters: Uncertain significance (5). 1 of the submissions does not count toward it. Last evaluated 2025-08-17.

Conditions:
Hereditary cancer-predisposing syndrome. Also called: Hereditary neoplastic syndrome; Neoplastic Syndromes, Hereditary; Tumor predisposition; Hereditary Cancer Syndrome. Identifiers: Orphanet 140162, MedGen C0027672, MeSH D009386, MONDO:0015356.
Acute lymphoid leukemia (ALL). Also called: Acute lymphoblastic leukemia; Acute lymphocytic leukemia; Lymphoblastic leukemia; Leukemia, acute lymphoblastic, somatic. Identifiers: Orphanet 513, MedGen C0023449, MONDO:0004967, OMIM 613065, HP:0006721.
Microcephaly, normal intelligence and immunodeficiency (NBS). Also called: IMMUNODEFICIENCY, MICROCEPHALY, AND CHROMOSOMAL INSTABILITY; SEEMANOVA SYNDROME II; Nijmegen breakage syndrome; Microcephaly with normal intelligence immunodeficiency and lymphoreticular malignancies; Nonsyndromal microcephaly autosomal recessive with normal intelligence; Seemanova syndrome 2. Identifiers: Orphanet 647, MedGen C0398791, MONDO:0009623, OMIM 251260.
Aplastic anemia. Identifiers: Orphanet 182040, Orphanet 88, MedGen C0002874, MONDO:0015909, OMIM 609135, HP:0001915.

Allele frequency attached by ClinVar (database versions not stated): gnomAD exomes below 0.00001; TOPMed below 0.00001.
gnomAD v4.1: 1 of 1,613,360 alleles (0.000062%); highest among the groups gnomAD compares: Non-Finnish European, 0.000085%; no homozygotes.

Submissions (6):

Labcorp Genetics (formerly Invitae), Labcorp
Classification: Uncertain significance for Microcephaly, normal intelligence and immunodeficiency. Last evaluated: 2025-08-17. Review status: criteria provided, single submitter. Criteria: Invitae Variant Classification Sherloc (09022015). Collection method: clinical testing. Allele origin: germline.
Comment: This sequence change replaces tryptophan, which is neutral and slightly polar, with glycine, which is neutral and non-polar, at codon 722 of the NBN protein (p.Trp722Gly). This variant is not present in population databases (gnomAD no frequency). This variant has not been reported in the literature in individuals affected with NBN-related conditions. ClinVar contains an entry for this variant (Variation ID: 480018). An algorithm developed to predict the effect of missense changes on protein structure and function (PolyPhen-2) suggests that this variant is likely to be disruptive. In summary, the available evidence is currently insufficient to determine the role of this variant in disease. Therefore, it has been classified as a Variant of Uncertain Significance.

Ambry Genetics
Classification: Uncertain significance for Hereditary cancer-predisposing syndrome. Last evaluated: 2025-08-09. Review status: criteria provided, single submitter. Criteria: Ambry Variant Classification Scheme 2023. Collection method: clinical testing. Allele origin: germline.
Comment: The p.W722G variant (also known as c.2164T>G), located in coding exon 14 of the NBN gene, results from a T to G substitution at nucleotide position 2164. The tryptophan at codon 722 is replaced by glycine, an amino acid with highly dissimilar properties. This amino acid position is highly conserved in available vertebrate species. In addition, the in silico prediction for this alteration is inconclusive. Since supporting evidence is limited at this time, the clinical significance of this alteration remains unclear.

Institute for Biomarker Research, Medical Diagnostic Laboratories, L.L.C.
Classification: Uncertain significance for Hereditary cancer-predisposing syndrome. Last evaluated: 2023-10-03. Review status: criteria provided, single submitter. Criteria: ACMG Guidelines, 2015. Collection method: clinical testing. Allele origin: germline.

Genome-Nilou Lab
Classification: Uncertain significance for Microcephaly, normal intelligence and immunodeficiency. Last evaluated: 2021-11-07. Review status: criteria provided, single submitter. Criteria: ACMG Guidelines, 2015. Collection method: clinical testing. Allele origin: germline. Affected: no.

Department of Pathology and Laboratory Medicine, Sinai Health System
Classification: Uncertain significance for Microcephaly, normal intelligence and immunodeficiency; Aplastic anemia; Acute lymphoid leukemia. Last evaluated: 2020-06-25. Review status: criteria provided, single submitter. Criteria: ACMG Guidelines, 2015. Collection method: research. Allele origin: germline.

Natera, Inc.
Classification: Uncertain significance for Nijmegen breakage syndrome. Last evaluated: 2020-12-27. Review status: no assertion criteria provided. Collection method: clinical testing. Allele origin: germline. Not counted in ClinVar's aggregate classification.

Literature cited by the submitters: PubMed 30287823 (cited by Ambry Genetics).

NM_002485.5(NBN):c.2164T>G (p.Trp722Gly)

Gene: NBN (nibrin; minus strand). Cytogenetic location: 8q21.3.
Variant type: single nucleotide variant.
Coding change: c.2164T>G on transcript NM_002485.5 (MANE Select); coding-DNA position 2164, T replaced by G.
Protein change: p.Trp722Gly; replaces tryptophan 722 with glycine.
Molecular consequence: missense variant.
Genome position (GRCh38, 1-based): chr8:89,943,273, A>C on the plus strand (T>G on the coding strand, the complement: NBN is on the minus strand). VCF-style: chr8-89943273-A-C. GRCh37 (hg19) VCF-style: chr8-90955501-A-C.
Other names: c.1918T>G, p.Trp640Gly (NM_001024688.3); short protein forms W722G, W640G.
Identifiers: ClinVar variation 480018 (VCV000480018.27), dbSNP rs1554555748, ClinGen allele CA371675343.
Genomic context (GRCh38, chr8:89,943,273, plus strand): 5'-TGCAATTTAAGCAAGTTTCTGGGCCTCACTTCCTACTAACCTCCATTTCCTGCCTTAGCC[A>C]CTCTTCTAGTTCTGTATTCTTTCGAGCATGATGAGCTATTAGATCTGATCCTCCAATGAT-3'
Protein context (NP_002476.2, residues 712-732): HARKNTELEE[Trp722Gly]LRQEMEVQNQ